The following is an entry in ClinVar:

ClinVar aggregate classification (germline): Uncertain significance (1 of 4 stars; one submission).

Conditions:
Ataxia-telangiectasia syndrome (AT). Also called: ATAXIA-TELANGIECTASIA, FRESNO VARIANT; Ataxia-telangiectasia, complementation group D; AT, COMPLEMENTATION GROUP C; Cerebello-oculocutaneous telangiectasia; Immunodeficiency with ataxia telangiectasia; Ataxia telangiectasia (A-T). Identifiers: Orphanet 100, MedGen C0004135, MONDO:0008840, OMIM 208900.

Submission:

Labcorp Genetics (formerly Invitae), Labcorp
Classification: Uncertain significance for Ataxia-telangiectasia syndrome. Last evaluated: 2020-03-12. Review status: criteria provided, single submitter. Criteria: Invitae Variant Classification Sherloc (09022015). Collection method: clinical testing. Allele origin: germline.
Comment: This variant has not been reported in the literature in individuals with ATM-related conditions. This sequence change replaces asparagine with threonine at codon 602 of the ATM protein (p.Asn602Thr). The asparagine residue is weakly conserved and there is a small physicochemical difference between asparagine and threonine. This variant is not present in population databases (ExAC no frequency). Algorithms developed to predict the effect of missense changes on protein structure and function (SIFT, PolyPhen-2, Align-GVGD) all suggest that this variant is likely to be tolerated, but these predictions have not been confirmed by published functional studies and their clinical significance is uncertain. In summary, the available evidence is currently insufficient to determine the role of this variant in disease. Therefore, it has been classified as a Variant of Uncertain Significance.

NM_000051.4(ATM):c.1805A>C (p.Asn602Thr)

Gene: ATM (ATM serine/threonine kinase; plus strand). Cytogenetic location: 11q22.3.
Variant type: single nucleotide variant.
Coding change: c.1805A>C on transcript NM_000051.4 (MANE Select); coding-DNA position 1805, A replaced by C.
Protein change: p.Asn602Thr; replaces asparagine 602 with threonine.
Molecular consequence: missense variant.
Genome position (GRCh38, 1-based): chr11:108,252,819, A>C. VCF-style: chr11-108252819-A-C. GRCh37 (hg19) VCF-style: chr11-108123546-A-C.
Other names: c.1805A>C, p.Asn602Thr (NM_001351834.2); short protein forms N602T.
Identifiers: ClinVar variation 1022357 (VCV001022357.8), dbSNP rs1173305253, ClinGen allele CA382535686.